The following is an entry in ClinVar:

NM_004370.6(COL12A1):c.6848G>A (p.Gly2283Glu)

Gene: COL12A1 (collagen type XII alpha 1 chain; minus strand). Cytogenetic location: 6q13.
Variant type: single nucleotide variant.
Coding change: c.6848G>A on transcript NM_004370.6 (MANE Select); coding-DNA position 6848, G replaced by A.
Protein change: p.Gly2283Glu; replaces glycine 2283 with glutamic acid.
Molecular consequence: missense variant.
Genome position (GRCh38, 1-based): chr6:75,123,971, C>T on the plus strand (G>A on the coding strand, the complement: COL12A1 is on the minus strand). VCF-style: chr6-75123971-C-T. GRCh37 (hg19) VCF-style: chr6-75833687-C-T.
Other names: p.Gly2283Glu; c.3356G>A, p.Gly1119Glu (NM_080645.3); short protein forms G2283E, G1119E.
Identifiers: ClinVar variation 475891 (VCV000475891.19), dbSNP rs77094372, ClinGen allele CA3892719.
Genomic context (GRCh38, chr6:75,123,971, plus strand): 5'-GCCTTATGAAAGCTTTCCAGATTCCTCAAAAACTTACTGGTATGTTCTTTAACAGAGACT[C>T]CTGGTCCCTCGAGATTTGGTGTCTGCACAAAAACAGTGACACCATAATCAGTGTCTGGTG-3'
Protein context (NP_004361.3, residues 2273-2293): FVQTPNLEGP[Gly2283Glu]VSVKEHTTVK

ClinVar aggregate classification (germline): Benign/Likely benign. Review status: criteria provided, multiple submitters, no conflicts (2 of 4 stars). 4 submissions from 4 submitters: Benign (3); Likely benign (1). Last evaluated 2026-02-06.

Conditions:
Ullrich congenital muscular dystrophy 2 (UCMD2). Identifiers: Orphanet 75840, MedGen C4225314, MONDO:0014654, OMIM 616470.
Bethlem myopathy 2 (BTHLM2). Identifiers: Orphanet 536516, Orphanet 610, MedGen C4225313, MONDO:0034022, OMIM 616471.

Allele frequency attached by ClinVar (database versions not stated): gnomAD exomes 0.00113 and 0.00261; ExAC 0.00323; 1000 Genomes Project 0.00958; 1000 Genomes Project 30x 0.01046; gnomAD 0.01084 and 0.01163; ESP Exome Variant Server 0.01104; TOPMed 0.01162.
gnomAD v4.1: 3,404 of 1,613,300 alleles (0.21%); highest among the groups gnomAD compares: African/African-American, 3.7%; 51 homozygotes.

Submissions (4):

Women's Health and Genetics/Laboratory Corporation of America, LabCorp
Classification: Likely benign. Last evaluated: 2026-02-06. Review status: criteria provided, single submitter. Criteria: LabCorp Variant Classification Summary - May 2015. Collection method: clinical testing. Allele origin: germline.
Comment: Variant summary: COL12A1 c.6848G>A (p.Gly2283Glu) results in a non-conservative amino acid change in the encoded protein sequence. Algorithms developed to predict the effect of missense changes on protein structure and function are either unavailable or do not agree on the potential impact of this missense change. The variant allele was found at a frequency of 0.0026 in 248698 control chromosomes, predominantly at a frequency of 0.034 within the African or African-American subpopulation in the gnomAD database, including 11 homozygotes. The observed variant frequency within African or African-American control individuals in the gnomAD database exceeds the estimated maximal expected allele frequency for disease-causing variants in COL12A1. To our knowledge, no occurrence of c.6848G>A in individuals affected with COL12A1-related conditions and no experimental evidence demonstrating its impact on protein function have been reported. ClinVar contains an entry for this variant (Variation ID: 475891). Based on the evidence outlined above, the variant was classified as likely benign.

Labcorp Genetics (formerly Invitae), Labcorp
Classification: Benign for Bethlem myopathy 2; Ullrich congenital muscular dystrophy 2. Last evaluated: 2026-01-27. Review status: criteria provided, single submitter. Criteria: Invitae Variant Classification Sherloc (09022015). Collection method: clinical testing. Allele origin: germline.

Mayo Clinic Laboratories, Mayo Clinic
Classification: Benign. Last evaluated: 2024-02-15. Review status: criteria provided, single submitter. Criteria: ACMG Guidelines, 2015. Collection method: clinical testing. Allele origin: germline. Observed: 14 variant alleles.
Comment: BS1, BS2, BP4

GeneDx
Classification: Benign. Last evaluated: 2019-08-15. Review status: criteria provided, single submitter. Criteria: GeneDx Variant Classification Process June 2021. Collection method: clinical testing. Allele origin: germline. Affected: yes.

Literature cited by the submitters: PubMed 32518143 (cited by Women's Health and Genetics/Laboratory Corporation of America, LabCorp).